The following is an entry in ClinVar:

ClinVar aggregate classification (germline): Likely pathogenic (1 of 4 stars; one submission).

Submission:

Labcorp Genetics (formerly Invitae), Labcorp
Classification: Likely pathogenic. Last evaluated: 2021-04-12. Review status: criteria provided, single submitter. Criteria: Invitae Variant Classification Sherloc (09022015). Collection method: clinical testing. Allele origin: germline.
Comment: This sequence change replaces tyrosine with cysteine at codon 878 of the CPLANE1 protein (p.Tyr878Cys). The tyrosine residue is weakly conserved and there is a large physicochemical difference between tyrosine and cysteine. In summary, the currently available evidence indicates that the variant is pathogenic, but additional data are needed to prove that conclusively. Therefore, this variant has been classified as Likely Pathogenic. Advanced modeling of protein sequence and biophysical properties (such as structural, functional, and spatial information, amino acid conservation, physicochemical variation, residue mobility, and thermodynamic stability) performed at Invitae indicates that this missense variant is expected to disrupt CPLANE1 protein function. This variant has been observed in individual(s) with Joubert syndrome (Invitae). This variant is not present in population databases (ExAC no frequency).

NM_001384732.1(CPLANE1):c.2633A>G (p.Tyr878Cys)

Gene: CPLANE1 (ciliogenesis and planar polarity effector complex subunit 1; minus strand). Cytogenetic location: 5p13.2.
Variant type: single nucleotide variant.
Coding change: c.2633A>G on transcript NM_001384732.1 (MANE Select); coding-DNA position 2633, A replaced by G.
Protein change: p.Tyr878Cys; replaces tyrosine 878 with cysteine.
Molecular consequence: missense variant.
Genome position (GRCh38, 1-based): chr5:37,221,437, T>C on the plus strand (A>G on the coding strand, the complement: CPLANE1 is on the minus strand). VCF-style: chr5-37221437-T-C. GRCh37 (hg19) VCF-style: chr5-37221539-T-C.
Other names: c.2633A>G, p.Tyr878Cys (NM_023073.4); short protein forms Y878C.
Identifiers: ClinVar variation 1516549 (VCV001516549.8), dbSNP rs2150361489, ClinGen allele CA359488941.
Genomic context (GRCh38, chr5:37,221,437, plus strand): 5'-CTTGCTAGCTGATCACACAATCCTTGAGCATCATTTAAATTATAGCTATAGAGGTGGCAG[T>C]ATAAGAGAGAAAGATAATAGCGTATCTGAAGAAAATACGTCCTTCTTCCTCCTGAAACAA-3'
Protein context (NP_001371661.1, residues 868-888): LQIRYYLSLL[Tyr878Cys]CHLYSYNLND